The following is an entry in ClinVar:

NM_177438.3(DICER1):c.2777A>G (p.Asp926Gly)

Gene: DICER1 (dicer 1, ribonuclease III; minus strand). Cytogenetic location: 14q32.13.
Variant type: single nucleotide variant.
Coding change: c.2777A>G on transcript NM_177438.3 (MANE Select); coding-DNA position 2777, A replaced by G.
Protein change: p.Asp926Gly; replaces aspartic acid 926 with glycine.
Molecular consequence: missense variant. On other transcripts: non-coding transcript variant (6).
Genome position (GRCh38, 1-based): chr14:95,107,635, T>C on the plus strand (A>G on the coding strand, the complement: DICER1 is on the minus strand). VCF-style: chr14-95107635-T-C. GRCh37 (hg19) VCF-style: chr14-95573972-T-C.
Other names: c.2777A>G, p.Asp926Gly (NM_001195573.1, NM_001271282.3, NM_001291628.2 and 12 more transcripts); c.2495A>G, p.Asp832Gly (NM_001395686.1); c.2372A>G, p.Asp791Gly (NM_001395687.1, NM_001395688.1, NM_001395689.1 and 2 more transcripts); c.2210A>G, p.Asp737Gly (NM_001395691.1); c.1094A>G, p.Asp365Gly (NM_001395697.1); short protein forms D365G, D737G, D791G, D832G, D926G.
Identifiers: ClinVar variation 3626318 (VCV003626318.2).

ClinVar aggregate classification (germline): Uncertain significance (1 of 4 stars; one submission).

Conditions:
DICER1-related tumor predisposition. Also called: DICER1 syndrome; DICER1-related pleuropulmonary blastoma cancer predisposition syndrome. Identifiers: Orphanet 284343, MedGen C3839822, MONDO:0100216.

Submission:

Labcorp Genetics (formerly Invitae), Labcorp
Classification: Uncertain significance for DICER1-related tumor predisposition. Last evaluated: 2024-09-22. Review status: criteria provided, single submitter. Criteria: Invitae Variant Classification Sherloc (09022015). Collection method: clinical testing. Allele origin: germline.
Comment: This sequence change replaces aspartic acid, which is acidic and polar, with glycine, which is neutral and non-polar, at codon 926 of the DICER1 protein (p.Asp926Gly). This variant is not present in population databases (gnomAD no frequency). This variant has not been reported in the literature in individuals affected with DICER1-related conditions. Invitae Evidence Modeling of protein sequence and biophysical properties (such as structural, functional, and spatial information, amino acid conservation, physicochemical variation, residue mobility, and thermodynamic stability) indicates that this missense variant is not expected to disrupt DICER1 protein function with a negative predictive value of 80%. In summary, the available evidence is currently insufficient to determine the role of this variant in disease. Therefore, it has been classified as a Variant of Uncertain Significance.